The following is an entry in ClinVar:

NM_004370.6(COL12A1):c.1375G>A (p.Val459Ile)

Gene: COL12A1 (collagen type XII alpha 1 chain; minus strand). Cytogenetic location: 6q13.
Variant type: single nucleotide variant.
Coding change: c.1375G>A on transcript NM_004370.6 (MANE Select); coding-DNA position 1375, G replaced by A.
Protein change: p.Val459Ile; replaces valine 459 with isoleucine.
Molecular consequence: missense variant. On other transcripts: intron variant (1).
Genome position (GRCh38, 1-based): chr6:75,183,566, C>T on the plus strand (G>A on the coding strand, the complement: COL12A1 is on the minus strand). VCF-style: chr6-75183566-C-T. GRCh37 (hg19) VCF-style: chr6-75893282-C-T.
Other names: c.73+19154G>A (NM_080645.3); short protein forms V459I.
Identifiers: ClinVar variation 1381404 (VCV001381404.8), dbSNP rs368199250, ClinGen allele CA3894210.

ClinVar aggregate classification (germline): Uncertain significance (1 of 4 stars; one submission).

Conditions:
Bethlem myopathy 2 (BTHLM2). Identifiers: Orphanet 536516, Orphanet 610, MedGen C4225313, MONDO:0034022, OMIM 616471.
Ullrich congenital muscular dystrophy 2 (UCMD2). Identifiers: Orphanet 75840, MedGen C4225314, MONDO:0014654, OMIM 616470.

Allele frequency attached by ClinVar (database versions not stated): gnomAD 0.00001; ESP Exome Variant Server 0.00008; gnomAD exomes below 0.00001 and 0.00002; TOPMed below 0.00001; ExAC 0.00002.
gnomAD v4.1: 24 of 1,614,020 alleles (0.0015%); highest among the groups gnomAD compares: Non-Finnish European, 0.0019%; no homozygotes.

Submission:

Labcorp Genetics (formerly Invitae), Labcorp
Classification: Uncertain significance for Bethlem myopathy 2; Ullrich congenital muscular dystrophy 2. Last evaluated: 2025-10-21. Review status: criteria provided, single submitter. Criteria: Invitae Variant Classification Sherloc (09022015). Collection method: clinical testing. Allele origin: germline.
Comment: This sequence change replaces valine, which is neutral and non-polar, with isoleucine, which is neutral and non-polar, at codon 459 of the COL12A1 protein (p.Val459Ile). This variant is present in population databases (rs368199250, gnomAD 0.0009%). This variant has not been reported in the literature in individuals affected with COL12A1-related conditions. ClinVar contains an entry for this variant (Variation ID: 1381404). Invitae Evidence Modeling of protein sequence and biophysical properties (such as structural, functional, and spatial information, amino acid conservation, physicochemical variation, residue mobility, and thermodynamic stability) indicates that this missense variant is expected to disrupt COL12A1 protein function with a positive predictive value of 80%. In summary, the available evidence is currently insufficient to determine the role of this variant in disease. Therefore, it has been classified as a Variant of Uncertain Significance.